The following is an entry in ClinVar:

NM_006231.4(POLE):c.678del (p.Tyr228fs)

Gene: POLE (DNA polymerase epsilon, catalytic subunit; minus strand). Cytogenetic location: 12q24.33.
Variant type: Deletion.
Coding change: c.678del on transcript NM_006231.4 (MANE Select); coding-DNA position 678, one base deleted (T; older notation c.678delT).
Protein change: p.Tyr228fs; shifts the reading frame from tyrosine 228.
Molecular consequence: frameshift variant.
Genome position (GRCh38, 1-based): chr12:132,677,620, A deleted on the plus strand (T on the coding strand, the reverse complement: POLE is on the minus strand); the first of 2 consecutive A bases (chr12:132,677,620-132,677,621); deleting either gives the same sequence. VCF-style (leftmost placement, unchanged base first): chr12-132677619-GA-G. GRCh37 (hg19) VCF-style: chr12-133254205-GA-G.
Other names: short protein forms Y228fs.
Identifiers: ClinVar variation 1755425 (VCV001755425.3), dbSNP rs2542179547, ClinGen allele CA2580086190.

ClinVar aggregate classification (germline): Uncertain significance (1 of 4 stars; one submission).

Conditions:
Hereditary cancer-predisposing syndrome. Also called: Tumor predisposition; Hereditary Cancer Syndrome; Hereditary neoplastic syndrome; Neoplastic Syndromes, Hereditary. Identifiers: Orphanet 140162, MedGen C0027672, MeSH D009386, MONDO:0015356.

Submission:

Ambry Genetics
Classification: Uncertain significance for Hereditary cancer-predisposing syndrome. Last evaluated: 2026-01-16. Review status: criteria provided, single submitter. Criteria: Ambry Variant Classification Scheme 2023. Collection method: clinical testing. Allele origin: germline.
Comment: The c.678delT variant, located in coding exon 7 of the POLE gene, results from a deletion of one nucleotide at nucleotide position 678, causing a translational frameshift with a predicted alternate stop codon (p.Y228Tfs*9). This alteration is expected to result in loss of function by premature protein truncation or nonsense-mediated mRNA decay. Although biallelic loss of function of POLE has been associated with autosomal recessive POLE deficiency, haploinsufficiency of POLE has not been established as a mechanism of disease for POLE-related polymerase proofreading-associated polyposis (PPAP) and POLE-related CMMRD-like syndrome. Based on the supporting evidence, this variant is expected to be causative of POLE deficiency when present along with a second pathogenic variant on the other allele; however, its clinical significance for PPAP and POLE-related CMMRD-like syndrome is unclear.